The following is an entry in ClinVar:

ClinVar aggregate classification (germline): Uncertain significance (1 of 4 stars; one submission).

gnomAD v4.1: 1 of 1,612,982 alleles (0.000062%); no homozygotes.

Submission:

Labcorp Genetics (formerly Invitae), Labcorp
Classification: Uncertain significance. Last evaluated: 2021-07-28. Review status: criteria provided, single submitter. Criteria: Invitae Variant Classification Sherloc (09022015). Collection method: clinical testing. Allele origin: germline.
Comment: In summary, the available evidence is currently insufficient to determine the role of this variant in disease. Therefore, it has been classified as a Variant of Uncertain Significance. Algorithms developed to predict the effect of missense changes on protein structure and function are either unavailable or do not agree on the potential impact of this missense change (SIFT: "Not Available"; PolyPhen-2: "Benign"; Align-GVGD: "Not Available"). This variant has not been reported in the literature in individuals affected with MCPH1-related conditions. This variant is not present in population databases (ExAC no frequency). This sequence change replaces asparagine with lysine at codon 144 of the MCPH1 protein (p.Asn144Lys). The asparagine residue is weakly conserved and there is a moderate physicochemical difference between asparagine and lysine.

NM_024596.5(MCPH1):c.432T>A (p.Asn144Lys)

Gene: MCPH1 (microcephalin 1; plus strand). Cytogenetic location: 8p23.1.
Variant type: single nucleotide variant.
Coding change: c.432T>A on transcript NM_024596.5 (MANE Select); coding-DNA position 432, T replaced by A.
Protein change: p.Asn144Lys; replaces asparagine 144 with lysine.
Molecular consequence: missense variant.
Genome position (GRCh38, 1-based): chr8:6,436,158, T>A. VCF-style: chr8-6436158-T-A. GRCh37 (hg19) VCF-style: chr8-6293679-T-A.
Other names: c.432T>A, p.Asn144Lys (NM_001172574.2, NM_001172575.2, NM_001322042.2 and 2 more transcripts); c.426T>A, p.Asn142Lys (NM_001322043.2); c.330T>A, p.Asn110Lys (NM_001322045.2); short protein forms N110K, N144K, N142K.
Identifiers: ClinVar variation 1480330 (VCV001480330.6), dbSNP rs891865529, ClinGen allele CA370217834.